The following is an entry in ClinVar:

ClinVar aggregate classification (germline): Benign (1 of 4 stars; one submission).

Conditions:
X-linked lymphoproliferative disease due to XIAP deficiency. Also called: XIAP DEFICIENCY; XIAP-Related Lymphoproliferative Disease, X-Linked. Identifiers: Orphanet 2442, Orphanet 538934, MedGen C1845076, MONDO:0010385, OMIM 300635.

Allele frequency attached by ClinVar (database versions not stated): 1000 Genomes Project 0.00026; 1000 Genomes Project 30x 0.00062; TOPMed 0.00084; ExAC 0.00090.
gnomAD v4.1: 468 of 371,846 alleles (0.13%); highest among the groups gnomAD compares: Non-Finnish European, 0.13%; 2 homozygotes.

Submission:

Illumina Laboratory Services, Illumina
Classification: Benign for X-linked lymphoproliferative disease due to XIAP deficiency. Last evaluated: 2018-01-12. Review status: criteria provided, single submitter. Criteria: ICSL Variant Classification Criteria 13 December 2019. Collection method: clinical testing. Allele origin: germline.
Comment: This variant was observed in the ICSL laboratory as part of a predisposition screen in an ostensibly healthy population. It had not been previously curated by ICSL or reported in the Human Gene Mutation Database (HGMD: prior to June 1st, 2018), and was therefore a candidate for classification through an automated scoring system. Utilizing variant allele frequency, disease prevalence and penetrance estimates, and inheritance mode, an automated score was calculated to assess if this variant is too frequent to cause the disease. Based on the score and internal cut-off values, a variant classified as benign is not then subjected to further curation. The score for this variant resulted in a classification of benign for this disease.

NM_001167.4(XIAP):c.*1298G>C

Gene: XIAP (X-linked inhibitor of apoptosis; plus strand). Cytogenetic location: Xq25.
Variant type: single nucleotide variant.
Coding change: c.*1298G>C on transcript NM_001167.4 (MANE Select); 1298 bases downstream of the stop codon, G replaced by C.
Molecular consequence: 3 prime UTR variant. On other transcripts: non-coding transcript variant (2).
Genome position (GRCh38, 1-based): chrX:123,908,479, G>C. VCF-style: chrX-123908479-G-C. GRCh37 (hg19) VCF-style: chrX-123042329-G-C.
Other names: c.*1298G>C (NM_001204401.2, NM_001378590.1, NM_001378591.1 and 1 more transcripts).
Identifiers: ClinVar variation 367804 (VCV000367804.5), dbSNP rs41312612, ClinGen allele CA10508252.